The following is an entry in ClinVar:

ClinVar aggregate classification (germline): Likely benign (0 of 4 stars; one submission).

Conditions:
SPATA13-related disorder. Also called: SPATA13-related condition.

Allele frequency attached by ClinVar (database versions not stated): gnomAD exomes 0.00001; TOPMed 0.00001.
gnomAD v4.1: 12 of 1,551,680 alleles (0.00077%); highest among the groups gnomAD compares: East Asian, 0.0024%; no homozygotes.

Submission:

PreventionGenetics, part of Exact Sciences
Classification: Likely benign for SPATA13-related condition. Last evaluated: 2019-05-24. Review status: no assertion criteria provided. Collection method: clinical testing. Allele origin: germline.
Comment: This variant is classified as likely benign based on ACMG/AMP sequence variant interpretation guidelines (Richards et al. 2015 PMID: 25741868, with internal and published modifications).

NM_001166271.3(SPATA13):c.174C>T (p.Gly58=)

Gene: SPATA13 (spermatogenesis associated 13; plus strand). Cytogenetic location: 13q12.12.
Variant type: single nucleotide variant.
Coding change: c.174C>T on transcript NM_001166271.3 (MANE Select); coding-DNA position 174, C replaced by T.
Protein change: p.Gly58=; no amino-acid change (glycine 58 retained).
Molecular consequence: synonymous variant. On other transcripts: intron variant (1).
Genome position (GRCh38, 1-based): chr13:24,223,103, C>T. VCF-style: chr13-24223103-C-T. GRCh37 (hg19) VCF-style: chr13-24797241-C-T.
Other names: c.360C>T, p.Gly120= (NM_001286792.2); c.-222-26374C>T (NM_153023.4).
Identifiers: ClinVar variation 3039247 (VCV003039247.2), dbSNP rs979566547, ClinGen allele CA246750573.